The following is an entry in ClinVar:

NM_000284.4(PDHA1):c.1046_1047insCAAT (p.Ala350fs)

Gene: PDHA1 (pyruvate dehydrogenase E1 subunit alpha 1; plus strand). Cytogenetic location: Xp22.12.
Variant type: Insertion.
Coding change: c.1046_1047insCAAT on transcript NM_000284.4 (MANE Select); coding-DNA positions 1046 to 1047, CAAT inserted.
Protein change: p.Ala350fs; shifts the reading frame from alanine 350.
Molecular consequence: frameshift variant.
Genome position: GRCh38 VCF-style: chrX-19359526-C-CCAAT. GRCh37 (hg19) VCF-style: chrX-19377644-C-CCAAT.
Other names: c.953_954insCAAT, p.Ala319fs (NM_001173456.2); c.1160_1161insCAAT, p.Ala388fs (NM_001173454.2); c.1067_1068insCAAT, p.Ala357fs (NM_001173455.2); short protein forms A319fs, A350fs, A357fs, A388fs.
Identifiers: ClinVar variation 4070431 (VCV004070431.1).

ClinVar aggregate classification (germline): Pathogenic (0 of 4 stars; one submission).

Conditions:
Pyruvate dehydrogenase E1-alpha deficiency (PDHAD). Also called: ATAXIA, INTERMITTENT, WITH PYRUVATE DEHYDROGENASE DEFICIENCY; ATAXIA WITH LACTIC ACIDOSIS I; ATAXIA, INTERMITTENT, WITH ABNORMAL PYRUVATE METABOLISM; Ataxia, intermittent, with pyruvate dehydrogenase, or decarboxylase, deficiency. Identifiers: Orphanet 79243, MedGen C1839413, MONDO:0010717, OMIM 312170.

Submission:

PDHA1 Study Group, University Children’s Hospital, Paracelsus Medical University
Classification: Pathogenic for Pyruvate dehydrogenase E1-alpha deficiency. Last evaluated: 2024-10-15. Review status: no assertion criteria provided. Collection method: research. Allele origin: de novo. Affected: yes. Observed: 1 variant allele.
Comment: The NM_000284.3:c.1046_1047insCAAT (p.Arg349SerfsTer4) change is a frameshift variant in PDHA1 gene. This variant is predicted to escape nonsense-mediated decay (NMD). Among them, 1 case had confirmed de novo occurrence. Last literature search: July 12, 2024. This variant is absent or extremely rare in population-based cohorts in the Genome Aggregation Database (gnomAD). Individuals harboring this variant presented with clinical features compatible with PDHA1-related PDHc deficiency. In summary, this variant meets criteria to be classified as pathogenic (P) for PDHA1-related PDHc deficiency based on the ACMG/AMP criteria applied: PVS1, PS2, PM2 (last assessment October 15, 2024).

Literature cited by the submitters: DOI 10.1093/brain/awaf430.